The following is an entry in ClinVar:

NM_005996.4(TBX3):c.658-331_658-330del

Gene: TBX3 (T-box transcription factor 3; minus strand). Cytogenetic location: 12q24.21.
Variant type: Deletion.
Coding change: c.658-331_658-330del on transcript NM_005996.4 (MANE Select); 331 bases into the intron before coding-DNA position 658 through 330 bases into the intron before coding-DNA position 658, 2 bases deleted (AT; older notation c.658-331_658-330delAT).
Molecular consequence: intron variant.
Genome position (GRCh38, 1-based): chr12:114,679,981-114,679,982, AT deleted on the plus strand (AT on the coding strand, the reverse complement: TBX3 is on the minus strand); deleting any 2 consecutive bases within chr12:114,679,981-114,679,983 gives the same sequence; the c. name uses the placement nearest the transcript's 3' end. VCF-style (leftmost placement, unchanged base first): chr12-114679980-GAT-G. GRCh37 (hg19) VCF-style: chr12-115117785-GAT-G.
Other names: c.658-10_658-9del (NM_016569.4).
Identifiers: ClinVar variation 5002142 (VCV005002142.1).

ClinVar aggregate classification (germline): Uncertain significance (1 of 4 stars; one submission).

Conditions:
TBX3-related disorder. Also called: TBX3-related condition.

Submission:

PreventionGenetics, part of Exact Sciences
Classification: Uncertain significance for TBX3-related condition. Last evaluated: 2025-01-13. Review status: criteria provided, single submitter. Criteria: ACMG Guidelines, 2015. Collection method: clinical testing. Allele origin: germline.
Comment: The TBX3 c.658-10_658-9delAT variant is predicted to result in an intronic deletion. To our knowledge, this variant has not been reported in the literature or in a large population database (gnomAD), indicating this variant is rare. This variant is predicted to alter splicing based on available splicing prediction programs (SpliceAI, Jaganathan et al. 2019. PubMed ID: 30661751). However, the use of computer prediction programs is not equivalent to functional evidence. At this time, the clinical significance of this variant is uncertain due to the absence of conclusive functional and genetic evidence.